The following is an entry in ClinVar:

NM_015557.3(CHD5):c.5608G>A (p.Asp1870Asn)

Gene: CHD5 (chromodomain helicase DNA binding protein 5; minus strand). Cytogenetic location: 1p36.31.
Variant type: single nucleotide variant.
Coding change: c.5608G>A on transcript NM_015557.3 (MANE Select); coding-DNA position 5608, G replaced by A.
Protein change: p.Asp1870Asn; replaces aspartic acid 1870 with asparagine.
Molecular consequence: missense variant.
Genome position (GRCh38, 1-based): chr1:6,106,750, C>T on the plus strand (G>A on the coding strand, the complement: CHD5 is on the minus strand). VCF-style: chr1-6106750-C-T. GRCh37 (hg19) VCF-style: chr1-6166810-C-T.
Other names: short protein forms D1870N.
Identifiers: ClinVar variation 3363955 (VCV003363955.1).

ClinVar aggregate classification (germline): Uncertain significance (1 of 4 stars; one submission).

gnomAD v4.1: 2 of 1,611,240 alleles (0.00012%); highest among the groups gnomAD compares: Non-Finnish European, 0.00017%; no homozygotes.

Submission:

GeneDx
Classification: Uncertain significance. Last evaluated: 2023-11-10. Review status: criteria provided, single submitter. Criteria: GeneDx Variant Classification Process June 2021. Collection method: clinical testing. Allele origin: germline. Affected: yes.
Comment: In silico analysis supports that this missense variant has a deleterious effect on protein structure/function; Has not been previously published as pathogenic or benign to our knowledge